The following is an entry in ClinVar:

ClinVar aggregate classification (germline): Likely benign (1 of 4 stars; one submission).

Conditions:
NRP2-related disorder. Also called: NRP2-related condition.

gnomAD v4.1: 1 of 1,612,476 alleles (0.000062%); highest among the groups gnomAD compares: Non-Finnish European, 0.000085%; no homozygotes.

Submission:

PreventionGenetics, part of Exact Sciences
Classification: Likely benign for NRP2-related condition. Last evaluated: 2026-01-28. Review status: criteria provided, single submitter. Criteria: ACMG Guidelines, 2015. Collection method: clinical testing. Allele origin: germline.
Comment: This variant is classified as likely benign based on ACMG/AMP sequence variant interpretation guidelines (Richards et al. 2015 PMID: 25741868, with internal and published modifications).

NM_003872.3(NRP2):c.-3A>G

Gene: NRP2 (neuropilin 2; plus strand). Cytogenetic location: 2q33.3.
Variant type: single nucleotide variant.
Coding change: c.-3A>G on transcript NM_003872.3 (MANE Select); 3 bases upstream of the start codon, A replaced by G.
Molecular consequence: 5 prime UTR variant.
Genome position (GRCh38, 1-based): chr2:205,683,288, A>G. VCF-style: chr2-205683288-A-G. GRCh37 (hg19) VCF-style: chr2-206548012-A-G.
Other names: c.-3A>G (NM_018534.4, NM_201264.2, NM_201266.2 and 2 more transcripts).
Identifiers: ClinVar variation 4985818 (VCV004985818.1).